The following is an entry in ClinVar:

NM_080473.5(GATA5):c.103C>T (p.Pro35Ser)

Gene: GATA5 (GATA binding protein 5; minus strand). Cytogenetic location: 20q13.33.
Variant type: single nucleotide variant.
Coding change: c.103C>T on transcript NM_080473.5 (MANE Select); coding-DNA position 103, C replaced by T.
Protein change: p.Pro35Ser; replaces proline 35 with serine.
Molecular consequence: missense variant.
Genome position (GRCh38, 1-based): chr20:62,475,419, G>A on the plus strand (C>T on the coding strand, the complement: GATA5 is on the minus strand). VCF-style: chr20-62475419-G-A. GRCh37 (hg19) VCF-style: chr20-61050475-G-A.
Other names: short protein forms P35S.
Identifiers: ClinVar variation 4736119 (VCV004736119.1).

ClinVar aggregate classification (germline): Uncertain significance (1 of 4 stars; one submission).

gnomAD v4.1: 3 of 1,360,068 alleles (0.00022%); highest among the groups gnomAD compares: South Asian, 0.0018%; no homozygotes.

Submission:

Labcorp Genetics (formerly Invitae), Labcorp
Classification: Uncertain significance. Last evaluated: 2026-01-25. Review status: criteria provided, single submitter. Criteria: Invitae Variant Classification Sherloc (09022015). Collection method: clinical testing. Allele origin: germline.
Comment: This sequence change replaces proline, which is neutral and non-polar, with serine, which is neutral and polar, at codon 35 of the GATA5 protein (p.Pro35Ser). The frequency data for this variant in the population databases is considered unreliable, as metrics indicate poor data quality at this position in the gnomAD database. This variant has not been reported in the literature in individuals affected with GATA5-related conditions. An algorithm developed to predict the effect of missense changes on protein structure and function (PolyPhen-2) suggests that this variant is likely to be tolerated. In summary, the available evidence is currently insufficient to determine the role of this variant in disease. Therefore, it has been classified as a Variant of Uncertain Significance.